The following is an entry in ClinVar:

NM_001378454.1(ALMS1):c.9911C>A (p.Ser3304Tyr)

Gene: ALMS1 (ALMS1 centrosome and basal body associated protein; plus strand). Cytogenetic location: 2p13.1.
Variant type: single nucleotide variant.
Coding change: c.9911C>A on transcript NM_001378454.1 (MANE Select); coding-DNA position 9911, C replaced by A.
Protein change: p.Ser3304Tyr; replaces serine 3304 with tyrosine.
Molecular consequence: missense variant.
Genome position (GRCh38, 1-based): chr2:73,550,270, C>A. VCF-style: chr2-73550270-C-A. GRCh37 (hg19) VCF-style: chr2-73777397-C-A.
Other names: c.9914C>A, p.Ser3305Tyr (NM_015120.4); short protein forms S3304Y, S3305Y.
Identifiers: ClinVar variation 1716549 (VCV001716549.6), dbSNP rs2104034683, ClinGen allele CA347271015.
Genomic context (GRCh38, chr2:73,550,270, plus strand): 5'-CTTTCTCAATCTCATGTCGCTATTTGTGTTTTGTATTACTTCCCCGTTTTTCTGTAGGAT[C>A]CAATGATGCCATTGCTCCAGACTTCCCAGCTCAGGTGCTAGGCACAAGAGATGATGACCT-3'
Protein context (NP_001365383.1, residues 3294-3314): DTTVESSHSG[Ser3304Tyr]NDAIAPDFPA

ClinVar aggregate classification (germline): Uncertain significance (1 of 4 stars; one submission).

Conditions:
Alstrom syndrome (ALMS). Identifiers: Orphanet 64, MedGen C0268425, MONDO:0008763, OMIM 203800.

Submission:

Labcorp Genetics (formerly Invitae), Labcorp
Classification: Uncertain significance for Alstrom syndrome. Last evaluated: 2022-10-25. Review status: criteria provided, single submitter. Criteria: Invitae Variant Classification Sherloc (09022015). Collection method: clinical testing. Allele origin: germline.
Comment: This sequence change replaces serine, which is neutral and polar, with tyrosine, which is neutral and polar, at codon 3305 of the ALMS1 protein (p.Ser3305Tyr). This variant is not present in population databases (gnomAD no frequency). This variant has not been reported in the literature in individuals affected with ALMS1-related conditions. Experimental studies and prediction algorithms are not available or were not evaluated, and the functional significance of this variant is currently unknown. In summary, the available evidence is currently insufficient to determine the role of this variant in disease. Therefore, it has been classified as a Variant of Uncertain Significance.